The following is an entry in ClinVar:

ClinVar aggregate classification (germline): Uncertain significance (1 of 4 stars; one submission).

gnomAD v4.1: 49 of 1,614,232 alleles (0.003%); highest among the groups gnomAD compares: South Asian, 0.014%; no homozygotes.

Submission:

CeGaT Center for Human Genetics Tuebingen
Classification: Uncertain significance. Last evaluated: 2025-07-01. Review status: criteria provided, single submitter. Criteria: CeGaT Center For Human Genetics Tuebingen Variant Classification Criteria Version 2. Collection method: clinical testing. Allele origin: germline. Affected: yes. Observed: 1 variant allele.
Comment: VWA8: PM2, BP4

NM_015058.2(VWA8):c.5519A>C (p.His1840Pro)

Gene: VWA8 (von Willebrand factor A domain containing 8; minus strand). Cytogenetic location: 13q14.11.
Variant type: single nucleotide variant.
Coding change: c.5519A>C on transcript NM_015058.2 (MANE Select); coding-DNA position 5519, A replaced by C.
Protein change: p.His1840Pro; replaces histidine 1840 with proline.
Molecular consequence: missense variant.
Genome position (GRCh38, 1-based): chr13:41,570,558, T>G on the plus strand (A>C on the coding strand, the complement: VWA8 is on the minus strand). VCF-style: chr13-41570558-T-G. GRCh37 (hg19) VCF-style: chr13-42144694-T-G.
Other names: short protein forms H1840P.
Identifiers: ClinVar variation 4084146 (VCV004084146.8).
Genomic context (GRCh38, chr13:41,570,558, plus strand): 5'-AAAATGGCAAAAGCATTTACTTGAGGGTCTCTTGTGAGGATTTGAGCAAACTTAGCAGGA[T>G]GTATTCCATATCGTGACAGATTTGCATCACTCAAGACTATGACAAAGTACTCATCAGCTT-3'
Protein context (NP_055873.1, residues 1830-1850): SDANLSRYGI[His1840Pro]PAKFAQILTR